The following is an entry in ClinVar:

ClinVar aggregate classification (germline): Pathogenic/Likely pathogenic. Review status: criteria provided, multiple submitters, no conflicts (2 of 4 stars). 2 submissions from 2 submitters: Pathogenic (1); Likely pathogenic (1). Last evaluated 2022-08-06.

Conditions:
Early-infantile DEE. Also called: Early infantile epileptic encephalopathy with suppression bursts; Ohtahara syndrome; Early infantile epileptic encephalopathy. Identifiers: Orphanet 1934, MedGen C0393706, MONDO:0800491.

Submissions (2):

Labcorp Genetics (formerly Invitae), Labcorp
Classification: Pathogenic for Early-infantile DEE. Last evaluated: 2022-08-06. Review status: criteria provided, single submitter. Criteria: Invitae Variant Classification Sherloc (09022015). Collection method: clinical testing. Allele origin: germline.
Comment: This variant, c.3929_3970del, is a complex sequence change that results in the deletion of 15 and insertion of 1 amino acid(s) in the SCN1A protein (p.Gly1310_Leu1324delinsVal). This variant is not present in population databases (gnomAD no frequency). This variant has not been reported in the literature in individuals affected with SCN1A-related conditions. ClinVar contains an entry for this variant (Variation ID: 422364). This variant disrupts a region of the SCN1A protein in which other variant(s) (p.Pro1323His) have been determined to be pathogenic (PMID: 24472396). This suggests that this is a clinically significant region of the protein, and that variants that disrupt it are likely to be disease-causing. For these reasons, this variant has been classified as Pathogenic.

GeneDx
Classification: Likely pathogenic. Last evaluated: 2016-09-29. Review status: criteria provided, single submitter. Criteria: GeneDx Variant Classification (06012015). Collection method: clinical testing. Allele origin: germline. Affected: yes.
Comment: A novel c.3929_3970del42 variant that is likely pathogenic has been identified in the SCN1A gene. The c.3929_3970del42 variant has not been published as a pathogenic variant, nor has it been reported as a benign variant to our knowledge. It was not observed in approximately 6,500 individuals of European and African American ancestry in the NHLBI Exome Sequencing Project, indicating it is not a common benign variant in these populations. The c.3929_3970del42 variant results in an in-frame deletion of 14 amino acid residues, denoted p.Gly1310_Leu324delinsV. The c.3929_3970del42 variant alters residues that are conserved across species and are predicted to be within the transmembrane segment S4 voltage sensor of the third homologous domain. Therefore, this variant is a strong candidate for a pathogenic variant, however the possibility that it is a benign variant cannot be excluded.

Literature cited by the submitters: PubMed 24472396 (cited by Labcorp Genetics (formerly Invitae), Labcorp).

NM_001165963.4(SCN1A):c.3929_3970del (p.Gly1310_Leu1324delinsVal)

Genes: SCN1A (sodium voltage-gated channel alpha subunit 1; minus strand), LOC102724058 (uncharacterized LOC102724058; plus strand). Cytogenetic location: 2q24.3.
Variant type: Deletion.
Coding change: c.3929_3970del on transcript NM_001165963.4 (MANE Select); coding-DNA positions 3929 to 3970, 42 bases deleted.
Protein change: p.Gly1310_Leu1324delinsVal.
Molecular consequence: inframe indel. On other transcripts: non-coding transcript variant (1).
Genome position (GRCh38, 1-based): chr2:166,009,751-166,009,792, 42 bases deleted. GRCh37 (hg19): chr2:166,866,261-166,866,302.
Other names: c.3845_3886del, p.Gly1282_Leu1296delinsVal (NM_001165964.3, NM_001353957.2, NM_001353958.2); c.3929_3970del, p.Gly1310_Leu1324delinsVal (NM_001202435.3, NM_001353948.2); c.3896_3937del, p.Gly1299_Leu1313delinsVal (NM_001353949.2, NM_001353950.2, NM_001353951.2 and 2 more transcripts); c.3893_3934del, p.Gly1298_Leu1312delinsVal (NM_001353954.2, NM_001353955.2); c.3842_3883del, p.Gly1281_Leu1295delinsVal (NM_001353960.2); c.1487_1528del, p.Gly496_Leu510delinsVal (NM_001353961.2); c.3929_3970delGAGCCATCAAATCTCTCAGGACACTAAGAGCTCTGAGACCTC (NM_001165963.1).
Identifiers: ClinVar variation 422364 (VCV000422364.6), dbSNP rs1064795733, ClinGen allele CA16617294.